The following is an entry in ClinVar:

ClinVar aggregate classification (germline): Uncertain significance (1 of 4 stars; one submission).

Allele frequency attached by ClinVar (database versions not stated): gnomAD exomes below 0.00001; TOPMed below 0.00001; gnomAD 0.00001.

Submission:

Labcorp Genetics (formerly Invitae), Labcorp
Classification: Uncertain significance. Last evaluated: 2022-11-24. Review status: criteria provided, single submitter. Criteria: Invitae Variant Classification Sherloc (09022015). Collection method: clinical testing. Allele origin: germline.
Comment: This sequence change replaces methionine, which is neutral and non-polar, with valine, which is neutral and non-polar, at codon 38 of the FTH1 protein (p.Met38Val). In summary, the available evidence is currently insufficient to determine the role of this variant in disease. Therefore, it has been classified as a Variant of Uncertain Significance. Algorithms developed to predict the effect of missense changes on protein structure and function are either unavailable or do not agree on the potential impact of this missense change (SIFT: "Deleterious"; PolyPhen-2: "Benign"; Align-GVGD: "Class C0"). This variant has not been reported in the literature in individuals affected with FTH1-related conditions. The frequency data for this variant in the population databases is considered unreliable, as metrics indicate poor data quality at this position in the gnomAD database.

NM_002032.3(FTH1):c.112A>G (p.Met38Val)

Genes: FTH1 (ferritin heavy chain 1; minus strand), LOC130005816 (ATAC-STARR-seq lymphoblastoid silent region 3409; plus strand), LOC399900 (uncharacterized LOC399900; plus strand). Cytogenetic location: 11q12.3.
Variant type: single nucleotide variant.
Coding change: c.112A>G on transcript NM_002032.3 (MANE Select); coding-DNA position 112, A replaced by G.
Protein change: p.Met38Val; replaces methionine 38 with valine.
Molecular consequence: missense variant. On other transcripts: non-coding transcript variant (1).
Genome position (GRCh38, 1-based): chr11:61,967,314, T>C on the plus strand (A>G on the coding strand, the complement: FTH1 is on the minus strand). VCF-style: chr11-61967314-T-C. GRCh37 (hg19) VCF-style: chr11-61734786-T-C.
Other names: short protein forms M38V.
Identifiers: ClinVar variation 2956594 (VCV002956594.3), dbSNP rs1430666382, ClinGen allele CA380857418.